The following is an entry in ClinVar:

NM_001079843.3(CASZ1):c.753G>C (p.Gln251His)

Gene: CASZ1 (castor zinc finger 1; minus strand). Cytogenetic location: 1p36.22.
Variant type: single nucleotide variant.
Coding change: c.753G>C on transcript NM_001079843.3 (MANE Select); coding-DNA position 753, G replaced by C.
Protein change: p.Gln251His; replaces glutamine 251 with histidine.
Molecular consequence: missense variant.
Genome position (GRCh38, 1-based): chr1:10,660,289, C>G on the plus strand (G>C on the coding strand, the complement: CASZ1 is on the minus strand). VCF-style: chr1-10660289-C-G. GRCh37 (hg19) VCF-style: chr1-10720346-C-G.
Other names: c.753G>C, p.Gln251His (NM_017766.5); short protein forms Q251H.
Identifiers: ClinVar variation 3342686 (VCV003342686.1).

ClinVar aggregate classification (germline): Uncertain significance (1 of 4 stars; one submission).

Submission:

GeneDx
Classification: Uncertain significance. Last evaluated: 2022-10-20. Review status: criteria provided, single submitter. Criteria: GeneDx Variant Classification Process June 2021. Collection method: clinical testing. Allele origin: germline. Affected: yes.
Comment: Not observed at significant frequency in large population cohorts (gnomAD); In silico analysis supports that this missense variant does not alter protein structure/function; Has not been previously published as pathogenic or benign to our knowledge; Variants in candidate genes are classified as variants of uncertain significance in accordance with ACMG guidelines (Richards et al., 2015)